The following is an entry in ClinVar:

NM_006904.7(PRKDC):c.3491G>C (p.Cys1164Ser)

Gene: PRKDC (protein kinase, DNA-activated, catalytic subunit; minus strand). Cytogenetic location: 8q11.21.
Variant type: single nucleotide variant.
Coding change: c.3491G>C on transcript NM_006904.7 (MANE Select); coding-DNA position 3491, G replaced by C.
Protein change: p.Cys1164Ser; replaces cysteine 1164 with serine.
Molecular consequence: missense variant.
Genome position (GRCh38, 1-based): chr8:47,897,268, C>G on the plus strand (G>C on the coding strand, the complement: PRKDC is on the minus strand). VCF-style: chr8-47897268-C-G. GRCh37 (hg19) VCF-style: chr8-48809828-C-G.
Other names: c.3491G>C, p.Cys1164Ser (NM_001081640.2); short protein forms C1164S.
Identifiers: ClinVar variation 1515505 (VCV001515505.3), dbSNP rs542013946, ClinGen allele CA4741156.

ClinVar aggregate classification (germline): Uncertain significance (1 of 4 stars; one submission).

Conditions:
Severe combined immunodeficiency due to DNA-PKcs deficiency. Also called: IMMUNODEFICIENCY 26 WITH NEUROLOGIC ABNORMALITIES; Immunodeficiency 26 with or without neurologic abnormalities. Identifiers: Orphanet 317425, MedGen C4014833, MONDO:0014423, OMIM 615966.

Allele frequency attached by ClinVar (database versions not stated): ExAC 0.00001; gnomAD exomes 0.00002 and 0.00007; TOPMed 0.00004; gnomAD 0.00005.
gnomAD v4.1: 101 of 1,599,560 alleles (0.0063%); highest among the groups gnomAD compares: Non-Finnish European, 0.0083%; no homozygotes.

Submission:

Labcorp Genetics (formerly Invitae), Labcorp
Classification: Uncertain significance for Severe combined immunodeficiency due to DNA-PKcs deficiency. Last evaluated: 2022-04-12. Review status: criteria provided, single submitter. Criteria: Invitae Variant Classification Sherloc (09022015). Collection method: clinical testing. Allele origin: germline.
Comment: This sequence change replaces cysteine, which is neutral and slightly polar, with serine, which is neutral and polar, at codon 1164 of the PRKDC protein (p.Cys1164Ser). This variant is present in population databases (rs542013946, gnomAD 0.005%). This variant has not been reported in the literature in individuals affected with PRKDC-related conditions. Experimental studies and prediction algorithms are not available or were not evaluated, and the functional significance of this variant is currently unknown. In summary, the available evidence is currently insufficient to determine the role of this variant in disease. Therefore, it has been classified as a Variant of Uncertain Significance.